The following is an entry in ClinVar:

ClinVar aggregate classification (germline): Pathogenic. Review status: reviewed by expert panel (3 of 4 stars). 18 submissions from 18 submitters: Pathogenic (1). 17 of the submissions do not count toward it. Last evaluated 2015-08-10.

Conditions:
BRCA1-related disorder. Also called: BRCA1-related condition.
Breast and/or ovarian cancer. Identifiers: MedGen CN221562.
Hereditary cancer-predisposing syndrome. Also called: Tumor predisposition; Neoplastic Syndromes, Hereditary; Hereditary Cancer Syndrome; Hereditary neoplastic syndrome. Identifiers: Orphanet 140162, MedGen C0027672, MeSH D009386, MONDO:0015356.
Hereditary breast ovarian cancer syndrome. Also called: Hereditary breast and ovarian cancer syndrome (HBOC); Hereditary breast and ovarian cancer syndrome; Hereditary breast and ovarian cancer; Hereditary breast and/or ovarian cancer syndrome; Breast and ovarian cancer; BRCA1- and BRCA2-Associated Hereditary Breast and Ovarian Cancer. Identifiers: Orphanet 145, MedGen C0677776, MeSH D061325, MONDO:0003582. Disease mechanism: loss of function.
Breast-ovarian cancer, familial, susceptibility to, 1 (BROVCA1). Also called: OVARIAN CANCER, SUSCEPTIBILITY TO; BRCA1 Hereditary Breast and Ovarian Cancer. Identifiers: Orphanet 145, MedGen C2676676, MONDO:0011450, OMIM 604370. Disease mechanism: loss of function.

gnomAD v4.1: 2 of 1,613,942 alleles (0.00012%); highest among the groups gnomAD compares: Non-Finnish European, 0.00017%; no homozygotes.

Submissions 1 to 7 of 19:

Evidence-based Network for the Interpretation of Germline Mutant Alleles (ENIGMA)
Classification: Pathogenic for Breast-ovarian cancer, familial 1. Last evaluated: 2015-08-10. Review status: reviewed by expert panel. Criteria: ENIGMA BRCA1/2 Classification Criteria (2015). Collection method: curation. Allele origin: germline.
Comment: IARC class based on posterior probability from multifactorial likelihood analysis, thresholds for class as per Plon et al. 2008 (PMID: 18951446). Class 5 based on posterior probability = 1

Labcorp Genetics (formerly Invitae), Labcorp
Classification: Pathogenic for Hereditary breast ovarian cancer syndrome. Last evaluated: 2026-01-05. Review status: criteria provided, single submitter. Criteria: Invitae Variant Classification Sherloc (09022015). Collection method: clinical testing. Allele origin: germline. Not counted in ClinVar's aggregate classification.
Comment: This sequence change replaces glycine, which is neutral and non-polar, with glutamic acid, which is acidic and polar, at codon 1706 of the BRCA1 protein (p.Gly1706Glu). This variant is present in population databases (rs80356860, gnomAD 0.007%). This missense change has been observed in individual(s) with breast and/or ovarian cancer (PMID: 10755399, 11979449, 12385650, 20727672, 29446198). This variant is also known as 5236G>A. ClinVar contains an entry for this variant (Variation ID: 37638). Invitae Evidence Modeling incorporating data from in vitro experimental studies (PMID: 30209399) indicates that this missense variant is expected to disrupt BRCA1 function with a positive predictive value of 95%. Experimental studies have shown that this missense change affects BRCA1 function (PMID: 20516115, 23867111, 28781887, 30209399). This variant disrupts the p.Gly1706 amino acid residue in BRCA1. Other variant(s) that disrupt this residue have been determined to be pathogenic (PMID: 17262179, 22144684, 25948282, 27616075, 30209399, 30458859). This suggests that this residue is clinically significant, and that variants that disrupt this residue are likely to be disease-causing. For these reasons, this variant has been classified as Pathogenic.

Center for Genomic Medicine, Rigshospitalet, Copenhagen University Hospital
Classification: Pathogenic. Last evaluated: 2025-12-29. Review status: criteria provided, single submitter. Criteria: ACMG Guidelines, 2015. Collection method: clinical testing. Allele origin: germline. Not counted in ClinVar's aggregate classification.

Quest Diagnostics Nichols Institute San Juan Capistrano
Classification: Pathogenic. Last evaluated: 2025-10-06. Review status: criteria provided, single submitter. Criteria: Quest Diagnostics criteria. Collection method: clinical testing. Allele origin: unknown. Not counted in ClinVar's aggregate classification.
Comment: The BRCA1 c.5117G>A (p.Gly1706Glu) variant has been reported in the published literature in individuals and/or families with hereditary breast and/or ovarian cancer (PMID: 38709234 (2024), 37719058 (2023), 36922883 (2023), 33536037 (2021), 29446198 (2018), 29928469 (2018), 27616075 (2016), 24240112 (2014), 20727672 (2010), 14684619 (2004), 12955716 (2003), 11979449 (2002), 10755399 (2000)), and unspecific hereditary cancer (PMID: 38201513 (2023)). Several functional studies demonstrated that this variant had a damaging effect on protein function (PMID: 30209399 (2018), 28781887 (2016), 27272900 (2016), 23867111 (2013), 20516115 (2010), 17308087 (2007)). Multifactorial analyses in the published literature indicate this variant is pathogenic (PMIDs: 21990134 (2012) and 17924331 (2007)). The frequency of this variant in the general population (Genome Aggregation Database) is consistent with pathogenicity. Analysis of this variant using bioinformatics tools for the prediction of the effect of amino acid changes on protein structure and function yielded conflicting predictions that this variant is deleterious or benign. Based on the available information, this variant is classified as pathogenic .

Ambry Genetics
Classification: Likely pathogenic for Hereditary cancer-predisposing syndrome. Last evaluated: 2025-04-17. Review status: criteria provided, single submitter. Criteria: Ambry Variant Classification Scheme 2023. Collection method: clinical testing. Allele origin: germline. Not counted in ClinVar's aggregate classification.
Comment: The p.G1706E variant (also known as c.5117G>A), located in coding exon 16 of the BRCA1 gene, results from a G to A substitution at nucleotide position 5117. The glycine at codon 1706 is replaced by glutamic acid, an amino acid with similar properties. This alteration has been reported in numerous breast and ovarian cancer families and has been described as a Spanish founder mutation that segregates with disease in multiple, affected family members (Osorio A et al. Br J Cancer. 2000 Apr;82(7):1266-70; Diez O et al. Hum Mutat. 2003 Oct;22(4):301-12; Janavicius R. EPMA J. 2010 Sep;1(3):397-412; Iyevleva AG et al. Cancer Lett. 2010 Dec 8;298(2):258-63; Rebbeck TR et al. Hum Mutat, 2018 05;39:593-620; Zeng C et al. Breast Cancer Res Treat, 2020 Jun;181:465-473). Functional assays have also shown this alteration to have a deleterious biological effect (Carvalho MA et al. Cancer Res. 2007 Feb 15;67(4):1494-501; Lee MS et al. Cancer Res. 2010 Jun 15;70(12):4880-90; Bouwman P et al. Cancer Discov. 2013 Oct;3(10):1142-55; Woods NT et al. npg Genomic Medicine 2016: 1:16001; Findlay GM et al. Nature, 2018 10;562:217-222). This alteration has been classified as pathogenic by multifactorial analysis, which integrates the following lines of evidence to produce a quantitative likelihood of pathogenicity: in silico prediction models, segregation with disease, tumor characteristics, mutation co-occurrence, and functional assay results (Easton D et al. Am J Hum Genet. 2007;81:873-883; Iversen ES Jr et al. Cancer Epidemiol Biomarkers Prev. 2011 Jun;20(6):1078-88; Lindor NM et al. Hum Mutat. 2012 Jan;33(1):8-21). Further, internal structural analysis suggests this alteration is likely pathogenic due to a highly increased global energy change as well as a higher local energy increase compared to other pathogenic variants within close proximity (Ambry Internal Data; Birrane G et al. Biochemistry, 2007 Jul;46:7706-12; Williams RS et al. Cell, 2009 Oct;139:87-99). Of note, this alteration is also referred to as 5236G>A in published literature. This amino acid position is highly conserved in available vertebrate species. In addition, this alteration is predicted to be deleterious by in silico analysis. Based on the majority of available evidence to date, this variant is likely to be pathogenic.

Laboratory of Genetics, Children's Clinical University Hospital Latvia
Classification: Pathogenic. Last evaluated: 2025-02-16. Review status: criteria provided, single submitter. Criteria: ACMG Guidelines, 2015. Collection method: clinical testing. Allele origin: germline. Affected: yes. Not counted in ClinVar's aggregate classification.

All of Us Research Program, National Institutes of Health
Classification: Pathogenic for Breast-ovarian cancer, familial, susceptibility to, 1. Last evaluated: 2023-12-11. Review status: criteria provided, single submitter. Criteria: ACMG Guidelines, 2015. Collection method: clinical testing. Allele origin: germline. Inheritance: Autosomal dominant inheritance. Observed: 1 variant allele, 1 heterozygote. Not counted in ClinVar's aggregate classification.
Comment: This missense variant replaces glycine with glutamic acid at codon 1706 of the BRCA1 protein. Computational prediction suggests that this variant may have deleterious impact on protein structure and function (internally defined REVEL score threshold >= 0.7, PMID: 27666373). Functional studies have reported that this variant impacts BRCA1 function in transcription activation assays (PMID: 17308087, 20516115, 27742776, 28781887), homology-directed repair assay (PMID: 23867111) and in a haploid cell proliferation assay (PMID: 30209399). This variant has been reported in at least nine individuals affected with breast and/or ovarian cancer (PMID: 11979449, 17262179, 20727672, 24240112, 25682074, 29928469) and as a recurrent mutation in the Spanish population (PMID: 23199084). This variant has been identified in 1/31406 chromosomes in the general population by the Genome Aggregation Database (gnomAD). Loss of BRCA1 function is a known mechanism of disease. Based on the available evidence, this variant is classified as Pathogenic.

This study involves interpretation of variants in research participants for the purpose of population health screening. Participant phenotype was not available at the time of variant classification. Additional details can be found in publication PMID: 35346344, PMCID: PMC8962531

NM_007294.4(BRCA1):c.5117G>A (p.Gly1706Glu)

Gene: BRCA1 (BRCA1 DNA repair associated; minus strand). Cytogenetic location: 17q21.31.
Variant type: single nucleotide variant.
Coding change: c.5117G>A on transcript NM_007294.4 (MANE Select); coding-DNA position 5117, G replaced by A.
Protein change: p.Gly1706Glu; replaces glycine 1706 with glutamic acid.
Molecular consequence: missense variant. On other transcripts: non-coding transcript variant (1).
Genome position (GRCh38, 1-based): chr17:43,063,909, C>T on the plus strand (G>A on the coding strand, the complement: BRCA1 is on the minus strand). VCF-style: chr17-43063909-C-T. GRCh37 (hg19) VCF-style: chr17-41215926-C-T.
Other names: 5236G>A; c.4904G>A, p.Gly1635Glu (NM_001407571.1, NM_001407894.1, NM_001407895.1 and 12 more transcripts); c.5111G>A, p.Gly1704Glu (NM_001407638.1, NM_001407639.1, NM_001407640.1 and 14 more transcripts); c.5183G>A, p.Gly1728Glu (NM_001407581.1, NM_001407582.1); c.5180G>A, p.Gly1727Glu (NM_001407583.1, NM_001407585.1, NM_001407587.1 and 1 more transcripts); c.5177G>A, p.Gly1726Glu (NM_001407590.1, NM_001407591.1); c.5108G>A, p.Gly1703Glu (NM_001407644.1, NM_001407645.1); c.5117G>A, p.Gly1706Glu (NM_001407593.1, NM_001407594.1, NM_001407596.1 and 7 more transcripts); and 72 more; short protein forms G1706E, G1727E, G1659E, G602E, G1577E, G1593E, G1595E, G1617E.
Identifiers: ClinVar variation 37638 (VCV000037638.40), dbSNP rs80356860, ClinGen allele CA003249.